The following is an entry in ClinVar:

ClinVar aggregate classification (germline): Uncertain significance (1 of 4 stars; one submission).

Conditions:
Cardiovascular phenotype. Identifiers: MedGen CN230736.

Allele frequency attached by ClinVar (database versions not stated): gnomAD exomes 0.00001.
gnomAD v4.1: 3 of 1,614,160 alleles (0.00019%); highest among the groups gnomAD compares: Non-Finnish European, 0.00025%; no homozygotes.

Submission:

Ambry Genetics
Classification: Uncertain significance for Cardiovascular phenotype. Last evaluated: 2023-06-22. Review status: criteria provided, single submitter. Criteria: Ambry Variant Classification Scheme 2023. Collection method: clinical testing. Allele origin: germline.
Comment: The p.A1212G variant (also known as c.3635C>G), located in coding exon 24 of the ABCA1 gene, results from a C to G substitution at nucleotide position 3635. The alanine at codon 1212 is replaced by glycine, an amino acid with similar properties. This amino acid position is conserved. In addition, the in silico prediction for this alteration is inconclusive. Since supporting evidence is limited at this time, the clinical significance of this alteration remains unclear.

NM_005502.4(ABCA1):c.3635C>G (p.Ala1212Gly)

Gene: ABCA1 (ATP binding cassette subfamily A member 1; minus strand). Cytogenetic location: 9q31.1.
Variant type: single nucleotide variant.
Coding change: c.3635C>G on transcript NM_005502.4 (MANE Select); coding-DNA position 3635, C replaced by G.
Protein change: p.Ala1212Gly; replaces alanine 1212 with glycine.
Molecular consequence: missense variant.
Genome position (GRCh38, 1-based): chr9:104,816,246, G>C on the plus strand (C>G on the coding strand, the complement: ABCA1 is on the minus strand). VCF-style: chr9-104816246-G-C. GRCh37 (hg19) VCF-style: chr9-107578527-G-C.
Other names: short protein forms A1212G.
Identifiers: ClinVar variation 2625011 (VCV002625011.2), dbSNP rs2538126362, ClinGen allele CA374318128.